The following is an entry in ClinVar:

ClinVar aggregate classification (germline): Uncertain significance (1 of 4 stars; one submission).

Allele frequency attached by ClinVar (database versions not stated): TOPMed 0.00006.
gnomAD v4.1: 11 of 1,613,886 alleles (0.00068%); highest among the groups gnomAD compares: African/African-American, 0.0053%; no homozygotes.

Submission:

Labcorp Genetics (formerly Invitae), Labcorp
Classification: Uncertain significance. Last evaluated: 2020-02-24. Review status: criteria provided, single submitter. Criteria: Invitae Variant Classification Sherloc (09022015). Collection method: clinical testing. Allele origin: germline.
Comment: In summary, the available evidence is currently insufficient to determine the role of this variant in disease. Therefore, it has been classified as a Variant of Uncertain Significance. Algorithms developed to predict the effect of missense changes on protein structure and function are either unavailable or do not agree on the potential impact of this missense change (SIFT: "Tolerated"; PolyPhen-2: "Possibly Damaging"; Align-GVGD: "Class C0"). This variant has not been reported in the literature in individuals with SLC7A14-related conditions. This variant is present in population databases (rs142416793, ExAC 0.006%). This sequence change replaces valine with methionine at codon 390 of the SLC7A14 protein (p.Val390Met). The valine residue is moderately conserved and there is a small physicochemical difference between valine and methionine.

NM_020949.3(SLC7A14):c.1168G>A (p.Val390Met)

Genes: SLC7A14 (solute carrier family 7 member 14; minus strand), SLC7A14-AS1 (SLC7A14 antisense RNA 1; plus strand). Cytogenetic location: 3q26.2.
Variant type: single nucleotide variant.
Coding change: c.1168G>A on transcript NM_020949.3 (MANE Select); coding-DNA position 1168, G replaced by A.
Protein change: p.Val390Met; replaces valine 390 with methionine.
Molecular consequence: missense variant.
Genome position (GRCh38, 1-based): chr3:170,481,114, C>T on the plus strand (G>A on the coding strand, the complement: SLC7A14 is on the minus strand). VCF-style: chr3-170481114-C-T. GRCh37 (hg19) VCF-style: chr3-170198903-C-T.
Other names: short protein forms V390M.
Identifiers: ClinVar variation 860337 (VCV000860337.9), dbSNP rs142416793, ClinGen allele CA2701682.
Genomic context (GRCh38, chr3:170,481,114, plus strand): 5'-TCTCTATCAGGTCTCTCAAGCTGACCAACAGTGCGAGGAGCGCTGCCAGGAACCCCGACA[C>T]GATGCAGGCCACCACTGGTGTCTCTGTGTAGGAGCTGACGTGAGCCAGGAACCTGGAGGG-3'
Protein context (NP_066000.2, residues 380-400): YTETPVVACI[Val390Met]SGFLAALLAL